The following is an entry in ClinVar:

ClinVar aggregate classification (germline): Pathogenic (1 of 4 stars; one submission).

Conditions:
Familial hemophagocytic lymphohistiocytosis 3 (FHL3). Also called: UNC13D-Related Familial Hemophagocytic Lymphohistiocytosis (UNC13D-fHLH). Identifiers: Orphanet 540, MedGen C1837174, MONDO:0012146, OMIM 608898.

gnomAD v4.1: 1 of 1,612,090 alleles (0.000062%); highest among the groups gnomAD compares: Non-Finnish European, 0.000085%; no homozygotes.

Submission:

Labcorp Genetics (formerly Invitae), Labcorp
Classification: Pathogenic for Familial hemophagocytic lymphohistiocytosis 3. Last evaluated: 2023-09-15. Review status: criteria provided, single submitter. Criteria: Invitae Variant Classification Sherloc (09022015). Collection method: clinical testing. Allele origin: germline.
Comment: This variant has not been reported in the literature in individuals affected with UNC13D-related conditions. For these reasons, this variant has been classified as Pathogenic. This variant is not present in population databases (gnomAD no frequency). This sequence change creates a premature translational stop signal (p.Tyr84*) in the UNC13D gene. It is expected to result in an absent or disrupted protein product. Loss-of-function variants in UNC13D are known to be pathogenic (PMID: 14622600).

Literature cited by the submitters: PubMed 14622600.

NM_199242.3(UNC13D):c.252C>A (p.Tyr84Ter)

Gene: UNC13D (unc-13 homolog D; minus strand). Cytogenetic location: 17q25.1.
Variant type: single nucleotide variant.
Coding change: c.252C>A on transcript NM_199242.3 (MANE Select); coding-DNA position 252, C replaced by A.
Protein change: p.Tyr84Ter; replaces tyrosine 84 with a stop codon.
Molecular consequence: nonsense.
Genome position (GRCh38, 1-based): chr17:75,843,168, G>T on the plus strand (C>A on the coding strand, the complement: UNC13D is on the minus strand). VCF-style: chr17-75843168-G-T. GRCh37 (hg19) VCF-style: chr17-73839249-G-T.
Other names: short protein forms Y84*.
Identifiers: ClinVar variation 2821146 (VCV002821146.3), dbSNP rs2545988044, ClinGen allele CA401116678.
Genomic context (GRCh38, chr17:75,843,168, plus strand): 5'-CACCAGACAGGGCAGCTGCAGGAAGGGGGGTGGGGTGGGAGCCGGGCTCACCTCCTGCAG[G>T]TATCGCAGCAGCTCAGAGGCCTCCGTCACATGGTTGGGCTCAGGATGACCCAGGCGGTGC-3'